The following is an entry in ClinVar:

ClinVar aggregate classification (germline): Uncertain significance (1 of 4 stars; one submission).

Allele frequency attached by ClinVar (database versions not stated): gnomAD exomes below 0.00001; ExAC 0.00002; TOPMed 0.00002.
gnomAD v4.1: 2 of 1,614,142 alleles (0.00012%); highest among the groups gnomAD compares: Admixed American, 0.0033%; no homozygotes.

Submission:

Labcorp Genetics (formerly Invitae), Labcorp
Classification: Uncertain significance. Last evaluated: 2024-10-28. Review status: criteria provided, single submitter. Criteria: Invitae Variant Classification Sherloc (09022015). Collection method: clinical testing. Allele origin: germline.
Comment: This sequence change replaces isoleucine, which is neutral and non-polar, with valine, which is neutral and non-polar, at codon 353 of the C8B protein (p.Ile353Val). This variant is present in population databases (rs780927606, gnomAD 0.006%). This variant has not been reported in the literature in individuals affected with C8B-related conditions. ClinVar contains an entry for this variant (Variation ID: 1956710). An algorithm developed to predict the effect of missense changes on protein structure and function outputs the following: PolyPhen-2: "Benign". The valine amino acid residue is found in multiple mammalian species, which suggests that this missense change does not adversely affect protein function. In summary, the available evidence is currently insufficient to determine the role of this variant in disease. Therefore, it has been classified as a Variant of Uncertain Significance.

NM_000066.4(C8B):c.1057A>G (p.Ile353Val)

Gene: C8B (complement C8 beta chain; minus strand). Cytogenetic location: 1p32.2.
Variant type: single nucleotide variant.
Coding change: c.1057A>G on transcript NM_000066.4 (MANE Select); coding-DNA position 1057, A replaced by G.
Protein change: p.Ile353Val; replaces isoleucine 353 with valine.
Molecular consequence: missense variant.
Genome position (GRCh38, 1-based): chr1:56,945,869, T>C on the plus strand (A>G on the coding strand, the complement: C8B is on the minus strand). VCF-style: chr1-56945869-T-C. GRCh37 (hg19) VCF-style: chr1-57411542-T-C.
Other names: c.901A>G, p.Ile301Val (NM_001278543.2); c.871A>G, p.Ile291Val (NM_001278544.2); short protein forms I353V, I301V, I291V.
Identifiers: ClinVar variation 1956710 (VCV001956710.5), dbSNP rs780927606, ClinGen allele CA875769.